The following is an entry in ClinVar:

NM_000552.5(VWF):c.1606C>T (p.Leu536Phe)

Gene: VWF (von Willebrand factor; minus strand). Cytogenetic location: 12p13.31.
Variant type: single nucleotide variant.
Coding change: c.1606C>T on transcript NM_000552.5 (MANE Select); coding-DNA position 1606, C replaced by T.
Protein change: p.Leu536Phe; replaces leucine 536 with phenylalanine.
Molecular consequence: missense variant.
Genome position (GRCh38, 1-based): chr12:6,057,972, G>A on the plus strand (C>T on the coding strand, the complement: VWF is on the minus strand). VCF-style: chr12-6057972-G-A. GRCh37 (hg19) VCF-style: chr12-6167138-G-A.
Other names: short protein forms L536F.
Identifiers: ClinVar variation 2635007 (VCV002635007.1), dbSNP rs377501452, ClinGen allele CA6403332.
Genomic context (GRCh38, chr12:6,057,972, plus strand): 5'-GCAGCTTCCAGGCGTTCCCGAAGTCCTCCACCCGGGGCTCCGCCAGCCCAGAGGGGGTAA[G>A]GAAGTCGTCGCCCTGGTTGCCATTGTAATTCCCACACAGGCCGCAGGTCTTCCCGGCATA-3'
Protein context (NP_000543.3, residues 526-546): NYNGNQGDDF[Leu536Phe]TPSGLAEPRV

ClinVar aggregate classification (germline): Uncertain significance. Review status: criteria provided, multiple submitters, no conflicts (2 of 4 stars). 2 submissions from 2 submitters: Uncertain significance (2). Last evaluated 2023-10-04.

Conditions:
VWF-related disorder. Also called: VWF-related disorders; VWF-related condition.

Allele frequency attached by ClinVar (database versions not stated): gnomAD 0.00002; gnomAD exomes 0.00003; TOPMed 0.00006; ExAC 0.00007; 1000 Genomes Project 30x 0.00031; 1000 Genomes Project 0.00040.
gnomAD v4.1: 44 of 1,613,734 alleles (0.0027%); highest among the groups gnomAD compares: East Asian, 0.091%; no homozygotes.

Submissions (2):

Women's Health and Genetics/Laboratory Corporation of America, LabCorp
Classification: Uncertain significance. Last evaluated: 2023-10-04. Review status: criteria provided, single submitter. Criteria: LabCorp Variant Classification Summary - May 2015. Collection method: clinical testing. Allele origin: germline.
Comment: Variant summary: VWF c.1606C>T (p.Leu536Phe) results in a non-conservative amino acid change located in the von Willebrand factor, type D domain (IPR001846) of the encoded protein sequence. Four of five in-silico tools predict a damaging effect of the variant on protein function. The variant allele was found at a frequency of 7.2e-05 in 250546 control chromosomes, predominantly at a frequency of 0.00098 within the East Asian subpopulation in the gnomAD database. c.1606C>T has been reported in the literature at a compound heterozygous state along with a second apparently pathogenic frame-shifting variant in at-least one unspecified individual affected with Hemophilia (example, Li_2020). These report(s) do not provide unequivocal conclusions about association of the variant with Von Willebrand Disease. To our knowledge, no experimental evidence demonstrating an impact on protein function has been reported. The following publication have been ascertained in the context of this evaluation (PMID: 32190902). No submitters have cited clinical-significance assessments for this variant to ClinVar after 2014. Based on the evidence outlined above, the variant was classified as uncertain significance.

PreventionGenetics, part of Exact Sciences
Classification: Uncertain significance for VWF-related condition. Last evaluated: 2022-11-09. Review status: criteria provided, single submitter. Criteria: ACMG Guidelines, 2015. Collection method: clinical testing. Allele origin: germline.
Comment: The VWF c.1606C>T variant is predicted to result in the amino acid substitution p.Leu536Phe. This variant has been reported along with a causative F8 variant in an individual with Hemophilia (Li et al. 2020. PubMed ID: 32190902. Table S2). This variant is reported in 0.098% of alleles in individuals of East Asian descent in gnomAD. At this time, the clinical significance of this variant is uncertain due to the absence of conclusive functional and genetic evidence.

Literature cited by the submitters: PubMed 32190902 (cited by Women's Health and Genetics/Laboratory Corporation of America, LabCorp).